The following is an entry in ClinVar:

ClinVar aggregate classification (germline): Uncertain significance (1 of 4 stars; one submission).

gnomAD v4.1: 6 of 1,613,984 alleles (0.00037%); highest among the groups gnomAD compares: East Asian, 0.0022%; no homozygotes.

Submission:

Dasa
Classification: Uncertain significance. Last evaluated: 2026-04-17. Review status: criteria provided, single submitter. Criteria: DASA Assertion Criteria. Collection method: clinical testing. Allele origin: germline.
Comment: NM_000827.4(GRIA1):c.1078C>T (p.Arg360Cys) is a missense variant that results in the substitution of arginine with cysteine. This variant is rare in population databases. Computational prediction algorithms are consistent with a deleterious effect. The currently available literature and clinical evidence are not sufficient to establish a definitive association between this variant and the reported condition. Therefore, this variant is classified as a variant of uncertain significance.

NM_000827.4(GRIA1):c.1078C>T (p.Arg360Cys)

Gene: GRIA1 (glutamate ionotropic receptor AMPA type subunit 1; plus strand). Cytogenetic location: 5q33.2.
Variant type: single nucleotide variant.
Coding change: c.1078C>T on transcript NM_000827.4 (MANE Select); coding-DNA position 1078, C replaced by T.
Protein change: p.Arg360Cys; replaces arginine 360 with cysteine.
Molecular consequence: missense variant. On other transcripts: non-coding transcript variant (2).
Genome position (GRCh38, 1-based): chr5:153,686,273, C>T. VCF-style: chr5-153686273-C-T. GRCh37 (hg19) VCF-style: chr5-153065833-C-T.
Other names: c.1078C>T, p.Arg360Cys (NM_001114183.2); c.838C>T, p.Arg280Cys (NM_001258019.2); c.793C>T, p.Arg265Cys (NM_001258020.2); c.1108C>T, p.Arg370Cys (NM_001258021.2, NM_001258022.2); c.871C>T, p.Arg291Cys (NM_001258023.1, NM_001364167.2); c.910C>T, p.Arg304Cys (NM_001364165.2); c.1105C>T, p.Arg369Cys (NM_001364166.2); short protein forms R265C, R280C, R291C, R304C, R360C, R369C, R370C.
Identifiers: ClinVar variation 4881004 (VCV004881004.2).